The following is an entry in ClinVar:

ClinVar aggregate classification (germline): Uncertain significance. Review status: criteria provided, multiple submitters, no conflicts (2 of 4 stars). 5 submissions from 5 submitters: Uncertain significance (5). Last evaluated 2024-07-29.

Conditions:
Arrhythmogenic right ventricular dysplasia 2. Identifiers: MedGen C1832931.
Ventricular arrhythmias due to cardiac ryanodine receptor calcium release deficiency syndrome. Also called: Autosomal dominant cardiac arrhythmia (Kuhn). Identifiers: MedGen C5542154, MONDO:0020745, OMIM 115000.
Catecholaminergic polymorphic ventricular tachycardia 1. Also called: RYR2-Related Catecholaminergic Polymorphic Ventricular Tachycardia; VENTRICULAR TACHYCARDIA, CATECHOLAMINERGIC POLYMORPHIC, 1, WITH OR WITHOUT ATRIAL DYSFUNCTION AND/OR DILATED CARDIOMYOPATHY; VENTRICULAR TACHYCARDIA, STRESS-INDUCED POLYMORPHIC 1. Identifiers: Orphanet 3286, MedGen C1631597, MONDO:0011484, OMIM 604772.
Catecholaminergic polymorphic ventricular tachycardia (CVPT). Also called: Catecholamine-induced polymorphic ventricular tachycardia. Identifiers: Orphanet 3286, MedGen C5574922, MONDO:0017990.
Cardiomyopathy (CMYO). Also called: Cardiomyopathies. Identifiers: Orphanet 167848, MedGen C0878544, MONDO:0004994, HP:0001638. Inheritance: Various modes of inheritance.

Allele frequency attached by ClinVar (database versions not stated): gnomAD exomes below 0.00001; gnomAD 0.00001; TOPMed 0.00001.
gnomAD v4.1: 2 of 1,591,258 alleles (0.00013%); highest among the groups gnomAD compares: Admixed American, 0.0017%; no homozygotes.

Submissions (5):

All of Us Research Program, National Institutes of Health
Classification: Uncertain significance for Catecholaminergic polymorphic ventricular tachycardia. Last evaluated: 2024-07-29. Review status: criteria provided, single submitter. Criteria: ACMG Guidelines, 2015. Collection method: clinical testing. Allele origin: germline. Inheritance: Autosomal dominant inheritance. Observed: 4 variant alleles, 4 heterozygotes.
Comment: This missense variant replaces tyrosine with phenylalanine at codon 3891 of the RYR2 protein. Computational prediction is inconclusive regarding the impact of this variant on protein structure and function (internally defined REVEL score threshold 0.5 < inconclusive < 0.7, PMID: 27666373). To our knowledge, functional studies have not been reported for this variant. This variant has been reported in an individual affected with sudden death (PMID: 27810088). Two first-degree relatives of this proband were carriers of this variant and unaffected with RYR2-related disorders . This variant has been identified in 1/248152 chromosomes in the general population by the Genome Aggregation Database (gnomAD). The available evidence is insufficient to determine the role of this variant in disease conclusively. Therefore, this variant is classified as a Variant of Uncertain Significance.

This study involves interpretation of variants in research participants for the purpose of population health screening. Participant phenotype was not available at the time of variant classification. Additional details can be found in publication PMID: 35346344, PMCID: PMC8962531

Color Diagnostics, LLC DBA Color Health
Classification: Uncertain significance for Cardiomyopathy. Last evaluated: 2024-07-17. Review status: criteria provided, single submitter. Criteria: ACMG Guidelines, 2015. Collection method: clinical testing. Allele origin: germline.
Comment: This missense variant replaces tyrosine with phenylalanine at codon 3891 of the RYR2 protein. Computational prediction is inconclusive regarding the impact of this variant on protein structure and function. To our knowledge, functional studies have not been reported for this variant. This variant has been reported in an individual affected with sudden death (PMID: 27810088). Two first-degree relatives of this proband were carriers of this variant and unaffected with RYR2-related disorders . This variant has been identified in 1/248152 chromosomes in the general population by the Genome Aggregation Database (gnomAD). The available evidence is insufficient to determine the role of this variant in disease conclusively. Therefore, this variant is classified as a Variant of Uncertain Significance.

GeneDx
Classification: Uncertain significance. Last evaluated: 2024-02-27. Review status: criteria provided, single submitter. Criteria: GeneDx Variant Classification Process June 2021. Collection method: clinical testing. Allele origin: germline. Affected: yes.
Comment: Identified in a patient with CPVT and in a patient with sudden death who also harbored a pathogenic variant in the DES gene (PMID: 27810088, 31112425, 28986455); Not observed at significant frequency in large population cohorts (gnomAD); Located in one of the three hot-spot regions of the RYR2 gene, where the majority of pathogenic missense variants occur (PMID: 19926015); In silico analysis supports that this missense variant has a deleterious effect on protein structure/function; This variant is associated with the following publications: (PMID: 19926015, 31112425, 27810088, 28986455)

Labcorp Genetics (formerly Invitae), Labcorp
Classification: Uncertain significance for Catecholaminergic polymorphic ventricular tachycardia 1. Last evaluated: 2023-11-28. Review status: criteria provided, single submitter. Criteria: Invitae Variant Classification Sherloc (09022015). Collection method: clinical testing. Allele origin: germline.
Comment: This sequence change replaces tyrosine, which is neutral and polar, with phenylalanine, which is neutral and non-polar, at codon 3891 of the RYR2 protein (p.Tyr3891Phe). This variant is present in population databases (no rsID available, gnomAD no frequency). This missense change has been observed in individual(s) with catecholaminergic polymorphic ventricular tachycardia (PMID: 31112425). ClinVar contains an entry for this variant (Variation ID: 568949). Algorithms developed to predict the effect of missense changes on protein structure and function output the following: SIFT: "Not Available"; PolyPhen-2: "Possibly Damaging"; Align-GVGD: "Not Available". The phenylalanine amino acid residue is found in multiple mammalian species, which suggests that this missense change does not adversely affect protein function. In summary, the available evidence is currently insufficient to determine the role of this variant in disease. Therefore, it has been classified as a Variant of Uncertain Significance.

Fulgent Genetics
Classification: Uncertain significance for Ventricular arrhythmias due to cardiac ryanodine receptor calcium release deficiency syndrome; Catecholaminergic polymorphic ventricular tachycardia 1. Last evaluated: 2021-10-13. Review status: criteria provided, single submitter. Criteria: ACMG Guidelines, 2015. Collection method: clinical testing. Allele origin: unknown.

Literature cited by the submitters: PubMed 27810088 (cited by All of Us Research Program, National Institutes of Health and Color Diagnostics, LLC DBA Color Health); PubMed 31112425 (cited by Labcorp Genetics (formerly Invitae), Labcorp).

NM_001035.3(RYR2):c.11672A>T (p.Tyr3891Phe)

Gene: RYR2 (ryanodine receptor 2; plus strand). Cytogenetic location: 1q43.
Variant type: single nucleotide variant.
Coding change: c.11672A>T on transcript NM_001035.3 (MANE Select); coding-DNA position 11672, A replaced by T.
Protein change: p.Tyr3891Phe; replaces tyrosine 3891 with phenylalanine.
Molecular consequence: missense variant.
Genome position (GRCh38, 1-based): chr1:237,773,545, A>T. VCF-style: chr1-237773545-A-T. GRCh37 (hg19) VCF-style: chr1-237936845-A-T.
Other names: c.11672A>T, p.Tyr3891Phe (LRG_402t1); short protein forms Y3891F.
Identifiers: ClinVar variation 568949 (VCV000568949.13), dbSNP rs1430332496, ClinGen allele CA345407686.